The following is an entry in ClinVar:

ClinVar aggregate classification (germline): Uncertain significance (1 of 4 stars; one submission).

gnomAD v4.1: 1 of 1,613,370 alleles (0.000062%); highest among the groups gnomAD compares: Non-Finnish European, 0.000085%; no homozygotes.

Submission:

Labcorp Genetics (formerly Invitae), Labcorp
Classification: Uncertain significance. Last evaluated: 2021-05-17. Review status: criteria provided, single submitter. Criteria: Invitae Variant Classification Sherloc (09022015). Collection method: clinical testing. Allele origin: germline.
Comment: In summary, the available evidence is currently insufficient to determine the role of this variant in disease. Therefore, it has been classified as a Variant of Uncertain Significance. Algorithms developed to predict the effect of missense changes on protein structure and function are either unavailable or do not agree on the potential impact of this missense change (SIFT: "Deleterious"; PolyPhen-2: "Probably Damaging"; Align-GVGD: "Class C0"). This variant has not been reported in the literature in individuals with SAR1B-related conditions. This variant is not present in population databases (ExAC no frequency). This sequence change replaces aspartic acid with histidine at codon 34 of the SAR1B protein (p.Asp34His). The aspartic acid residue is highly conserved and there is a moderate physicochemical difference between aspartic acid and histidine.

NM_016103.4(SAR1B):c.100G>C (p.Asp34His)

Gene: SAR1B (secretion associated Ras related GTPase 1B; minus strand). Cytogenetic location: 5q31.1.
Variant type: single nucleotide variant.
Coding change: c.100G>C on transcript NM_016103.4 (MANE Select); coding-DNA position 100, G replaced by C.
Protein change: p.Asp34His; replaces aspartic acid 34 with histidine.
Molecular consequence: missense variant.
Genome position (GRCh38, 1-based): chr5:134,621,011, C>G on the plus strand (G>C on the coding strand, the complement: SAR1B is on the minus strand). VCF-style: chr5-134621011-C-G. GRCh37 (hg19) VCF-style: chr5-133956701-C-G.
Other names: c.100G>C, p.Asp34His (NM_001033503.3); short protein forms D34H.
Identifiers: ClinVar variation 1491742 (VCV001491742.8), dbSNP rs2150054201, ClinGen allele CA361003702.